The following is an entry in ClinVar:

NM_001267550.2(TTN):c.8255_8257delinsGG (p.Lys2752fs)

Gene: TTN (titin; minus strand). Cytogenetic location: 2q31.2.
Variant type: Indel.
Coding change: c.8255_8257delinsGG on transcript NM_001267550.2 (MANE Select); coding-DNA positions 8255 to 8257, AGT replaced by GG.
Protein change: p.Lys2752fs; shifts the reading frame from lysine 2752.
Molecular consequence: frameshift variant.
Genome position (GRCh38, 1-based): chr2:178,770,535-178,770,537, ACT replaced by CC on the plus strand (AGT replaced by GG on the coding strand, the reverse complement: TTN is on the minus strand). VCF-style: chr2-178770535-ACT-CC. GRCh37 (hg19) VCF-style: chr2-179635262-ACT-CC.
Other names: c.8255_8257delinsGG, p.Lys2752fs (NM_001256850.1, NM_133378.4, NM_133379.5); c.8117_8119delinsGG, p.Lys2706fs (NM_003319.4, NM_133432.3, NM_133437.4); short protein forms K2706fs, K2752fs.
Identifiers: ClinVar variation 3339592 (VCV003339592.1).

ClinVar aggregate classification (germline): Likely pathogenic (1 of 4 stars; one submission).

Conditions:
Autosomal recessive limb-girdle muscular dystrophy type 2J (LGMDR10). Also called: Limb-girdle muscular dystrophy, type 2J; MUSCULAR DYSTROPHY, LIMB-GIRDLE, AUTOSOMAL RECESSIVE 10. Identifiers: Orphanet 140922, MedGen C1837342, MONDO:0012127, OMIM 608807.

Submission:

Women's Health and Genetics/Laboratory Corporation of America, LabCorp
Classification: Likely pathogenic for Autosomal recessive limb-girdle muscular dystrophy type 2J. Last evaluated: 2024-06-12. Review status: criteria provided, single submitter. Criteria: LabCorp Variant Classification Summary - May 2015. Collection method: clinical testing. Allele origin: germline.
Comment: Variant summary: TTN c.8255_8257delinsGG (p.Lys2752ArgfsX13) results in a premature termination codon, predicted to cause a truncation of the encoded protein or absence of the protein due to nonsense mediated decay, which are commonly known mechanisms for disease. The variant was absent in 251024 control chromosomes (gnomAD). To our knowledge, no occurrence of c.8255_8257delinsGG in individuals affected with TTN-related conditions and no experimental evidence demonstrating its impact on protein function have been reported. Nonsense, frameshift, and canonical splice-site variants in TTN are strongly associated with DCM when they affect exons encoding for the A-band region (PMIDs: 22335739, 24503780) and/or exons constitutively expressed (proportion spliced in [PSI]>0.9) in the primary cardiac isoforms (PMIDs: 25589632, 31216868, 32964742, 27869827), which is the case for this variant (I band with a PSI score of 100%). No submitters have cited clinical-significance assessments for this variant to ClinVar. Based on the evidence outlined above, the variant was classified as likely pathogenic.